The following is an entry in ClinVar:

NM_001085487.3(MYSM1):c.1495-3C>T

Gene: MYSM1 (Myb like, SWIRM and MPN domains 1; minus strand). Cytogenetic location: 1p32.1.
Variant type: single nucleotide variant.
Coding change: c.1495-3C>T on transcript NM_001085487.3 (MANE Select); 3 bases into the intron before coding-DNA position 1495, C replaced by T.
Molecular consequence: intron variant.
Genome position (GRCh38, 1-based): chr1:58,673,653, G>A on the plus strand (C>T on the coding strand, the complement: MYSM1 is on the minus strand). VCF-style: chr1-58673653-G-A. GRCh37 (hg19) VCF-style: chr1-59139325-G-A.
Identifiers: ClinVar variation 1413926 (VCV001413926.4), dbSNP rs755503100, ClinGen allele CA877785.

ClinVar aggregate classification (germline): Uncertain significance (1 of 4 stars; one submission).

Allele frequency attached by ClinVar (database versions not stated): gnomAD exomes below 0.00001 and 0.00003; TOPMed 0.00002; ExAC 0.00003; gnomAD 0.00003 and 0.00004.
gnomAD v4.1: 14 of 1,613,168 alleles (0.00087%); highest among the groups gnomAD compares: Admixed American, 0.0033%; no homozygotes.

Submission:

Labcorp Genetics (formerly Invitae), Labcorp
Classification: Uncertain significance. Last evaluated: 2023-11-27. Review status: criteria provided, single submitter. Criteria: Invitae Variant Classification Sherloc (09022015). Collection method: clinical testing. Allele origin: germline.
Comment: This sequence change falls in intron 10 of the MYSM1 gene. It does not directly change the encoded amino acid sequence of the MYSM1 protein. It affects a nucleotide within the consensus splice site. This variant is present in population databases (rs755503100, gnomAD 0.007%). This variant has not been reported in the literature in individuals affected with MYSM1-related conditions. ClinVar contains an entry for this variant (Variation ID: 1413926). Variants that disrupt the consensus splice site are a relatively common cause of aberrant splicing (PMID: 17576681, 9536098). Algorithms developed to predict the effect of sequence changes on RNA splicing suggest that this variant is not likely to affect RNA splicing. In summary, the available evidence is currently insufficient to determine the role of this variant in disease. Therefore, it has been classified as a Variant of Uncertain Significance.

Literature cited by the submitters: PubMed 17576681; PubMed 9536098.